The following is an entry in ClinVar:

ClinVar aggregate classification (germline): Benign/Likely benign. Review status: criteria provided, multiple submitters, no conflicts (2 of 4 stars). 2 submissions from 2 submitters: Benign (1); Likely benign (1). Last evaluated 2018-01-13.

Conditions:
Seizures, benign familial neonatal, 2. Also called: CONVULSIONS, BENIGN FAMILIAL NEONATAL, 2; KCNQ3-Related Self-Limited Familial Neonatal Epilepsy (SLFNE); Benign Neonatal Epilepsy 2; KCNQ3-Related Benign Familial Neonatal Epilepsy; Seizures, benign neonatal, 2. Identifiers: Orphanet 1949, MedGen C1852581, MONDO:0007366, OMIM 121201.

Allele frequency attached by ClinVar (database versions not stated): gnomAD 0.01027 and 0.01032; 1000 Genomes Project 30x 0.00562; 1000 Genomes Project 0.00579; TOPMed 0.00753.

Submissions (2):

Illumina Laboratory Services, Illumina
Classification: Benign for Seizures, benign familial neonatal, 2. Last evaluated: 2018-01-13. Review status: criteria provided, single submitter. Criteria: ICSL Variant Classification Criteria 13 December 2019. Collection method: clinical testing. Allele origin: germline.
Comment: This variant was observed in the ICSL laboratory as part of a predisposition screen in an ostensibly healthy population. It had not been previously curated by ICSL or reported in the Human Gene Mutation Database (HGMD: prior to June 1st, 2018), and was therefore a candidate for classification through an automated scoring system. Utilizing variant allele frequency, disease prevalence and penetrance estimates, and inheritance mode, an automated score was calculated to assess if this variant is too frequent to cause the disease. Based on the score and internal cut-off values, a variant classified as benign is not then subjected to further curation. The score for this variant resulted in a classification of benign for this disease.

Breakthrough Genomics
Classification: Likely benign. Review status: criteria provided, single submitter. Criteria: ACMG Guidelines, 2015. Collection method: not provided. Allele origin: germline. Inheritance: Autosomal dominant inheritance. Affected: yes.

NM_004519.4(KCNQ3):c.*4258T>C

Gene: KCNQ3 (potassium voltage-gated channel subfamily Q member 3; minus strand). Cytogenetic location: 8q24.22.
Variant type: single nucleotide variant.
Coding change: c.*4258T>C on transcript NM_004519.4 (MANE Select); 4258 bases downstream of the stop codon, T replaced by C.
Molecular consequence: 3 prime UTR variant.
Genome position (GRCh38, 1-based): chr8:132,125,004, A>G on the plus strand (T>C on the coding strand, the complement: KCNQ3 is on the minus strand). VCF-style: chr8-132125004-A-G. GRCh37 (hg19) VCF-style: chr8-133137251-A-G.
Other names: c.*4258T>C (NM_001204824.2).
Identifiers: ClinVar variation 361808 (VCV000361808.7), dbSNP rs113937538, ClinGen allele CA10627045.
Genomic context (GRCh38, chr8:132,125,004, plus strand): 5'-TTGCCCCAGGAGAATTTGATCTGCAGGTTCCCATAAGTAGAGTAACATCTTTCTCTTGAA[A>G]TAGGTGCTGTGTCATAGTCTGTATCATAAGCTTCTCTTGGTCAACATAATGAAATGAAAG-3'